The following is an entry in ClinVar:

ClinVar aggregate classification (germline): Uncertain significance. Review status: criteria provided, multiple submitters, no conflicts (2 of 4 stars). 3 submissions from 3 submitters: Uncertain significance (3). Last evaluated 2025-04-28.

Conditions:
Aortic aneurysm, familial thoracic 4 (AAT4). Also called: AORTIC ANEURYSM/AORTIC DISSECTION AND PATENT DUCTUS ARTERIOSUS. Identifiers: MedGen C1851504, MONDO:0007568, OMIM 132900.
Familial thoracic aortic aneurysm and aortic dissection (TAAD). Also called: Thoracic aortic aneurysms and dissections. Identifiers: Orphanet 91387, MedGen C4707243, MONDO:0019625.

Allele frequency attached by ClinVar (database versions not stated): gnomAD exomes below 0.00001; gnomAD 0.00001; TOPMed 0.00002.

Submissions (3):

Labcorp Genetics (formerly Invitae), Labcorp
Classification: Uncertain significance for Aortic aneurysm, familial thoracic 4. Last evaluated: 2025-04-28. Review status: criteria provided, single submitter. Criteria: Invitae Variant Classification Sherloc (09022015). Collection method: clinical testing. Allele origin: germline.
Comment: This sequence change replaces glutamine, which is neutral and polar, with lysine, which is basic and polar, at codon 862 of the MYH11 protein (p.Gln862Lys). This variant is present in population databases (no rsID available, gnomAD 0.004%). This missense change has been observed in individual(s) with clinical features of thoracic aortic aneurysm and/or dissection (internal data). ClinVar contains an entry for this variant (Variation ID: 2138847). Invitae Evidence Modeling of protein sequence and biophysical properties (such as structural, functional, and spatial information, amino acid conservation, physicochemical variation, residue mobility, and thermodynamic stability) indicates that this missense variant is not expected to disrupt MYH11 protein function with a negative predictive value of 95%. In summary, the available evidence is currently insufficient to determine the role of this variant in disease. Therefore, it has been classified as a Variant of Uncertain Significance.

Ambry Genetics
Classification: Uncertain significance for Familial thoracic aortic aneurysm and aortic dissection. Last evaluated: 2024-02-09. Review status: criteria provided, single submitter. Criteria: Ambry Variant Classification Scheme 2023. Collection method: clinical testing. Allele origin: germline.
Comment: The p.Q855K variant (also known as c.2563C>A), located in coding exon 20 of the MYH11 gene, results from a C to A substitution at nucleotide position 2563. The glutamine at codon 855 is replaced by lysine, an amino acid with similar properties. This amino acid position is conserved. In addition, this alteration is predicted to be tolerated by in silico analysis. Based on the available evidence, the clinical significance of this alteration remains unclear.

All of Us Research Program, National Institutes of Health
Classification: Uncertain significance for Familial thoracic aortic aneurysm and aortic dissection. Last evaluated: 2023-12-18. Review status: criteria provided, single submitter. Criteria: ACMG Guidelines, 2015. Collection method: clinical testing. Allele origin: germline. Inheritance: Autosomal dominant inheritance. Observed: 4 variant alleles, 4 heterozygotes.
Comment: This missense variant replaces glutamine with lysine at codon 862 of the MYH11 protein. Computational prediction suggests that this variant may not impact protein structure and function (internally defined REVEL score threshold <= 0.5, PMID: 27666373). To our knowledge, functional studies have not been reported for this variant. This variant has not been reported in individuals affected with MYH11-related disorders in the literature. This variant has been identified in 2/282858 chromosomes in the general population by the Genome Aggregation Database (gnomAD). The available evidence is insufficient to determine the role of this variant in disease conclusively. Therefore, this variant is classified as a Variant of Uncertain Significance.

This study involves interpretation of variants in research participants for the purpose of population health screening. Participant phenotype was not available at the time of variant classification. Additional details can be found in publication PMID: 35346344, PMCID: PMC8962531

NM_002474.3(MYH11):c.2563C>A (p.Gln855Lys)

Gene: MYH11 (myosin heavy chain 11; minus strand). Cytogenetic location: 16p13.11.
Variant type: single nucleotide variant.
Coding change: c.2563C>A on transcript NM_002474.3 (MANE Select); coding-DNA position 2563, C replaced by A.
Protein change: p.Gln855Lys; replaces glutamine 855 with lysine.
Molecular consequence: missense variant.
Genome position (GRCh38, 1-based): chr16:15,741,849, G>T on the plus strand (C>A on the coding strand, the complement: MYH11 is on the minus strand). VCF-style: chr16-15741849-G-T. GRCh37 (hg19) VCF-style: chr16-15835706-G-T.
Other names: c.2584C>A, p.Gln862Lys (NM_001040113.2, NM_001040114.2); c.2563C>A, p.Gln855Lys (NM_022844.3); short protein forms Q862K, Q855K.
Identifiers: ClinVar variation 2138847 (VCV002138847.6), dbSNP rs1244685142, ClinGen allele CA394866452.